The following is an entry in ClinVar:

ClinVar aggregate classification (germline): Uncertain significance (1 of 4 stars; one submission).

gnomAD v4.1: 2 of 1,613,392 alleles (0.00012%); highest among the groups gnomAD compares: East Asian, 0.0045%; no homozygotes.

Submission:

Labcorp Genetics (formerly Invitae), Labcorp
Classification: Uncertain significance. Last evaluated: 2022-09-20. Review status: criteria provided, single submitter. Criteria: Invitae Variant Classification Sherloc (09022015). Collection method: clinical testing. Allele origin: germline.
Comment: In summary, the available evidence is currently insufficient to determine the role of this variant in disease. Therefore, it has been classified as a Variant of Uncertain Significance. Algorithms developed to predict the effect of missense changes on protein structure and function are either unavailable or do not agree on the potential impact of this missense change (SIFT: "Deleterious"; PolyPhen-2: "Benign"; Align-GVGD: "Class C35"). This variant has not been reported in the literature in individuals affected with MPDZ-related conditions. This variant is present in population databases (no rsID available, gnomAD 0.01%). This sequence change replaces glutamic acid, which is acidic and polar, with aspartic acid, which is acidic and polar, at codon 1327 of the MPDZ protein (p.Glu1327Asp).

NM_001378778.1(MPDZ):c.3981G>C (p.Glu1327Asp)

Gene: MPDZ (multiple PDZ domain crumbs cell polarity complex component; minus strand). Cytogenetic location: 9p23.
Variant type: single nucleotide variant.
Coding change: c.3981G>C on transcript NM_001378778.1 (MANE Select); coding-DNA position 3981, G replaced by C.
Protein change: p.Glu1327Asp; replaces glutamic acid 1327 with aspartic acid.
Molecular consequence: missense variant.
Genome position (GRCh38, 1-based): chr9:13,140,009, C>G on the plus strand (G>C on the coding strand, the complement: MPDZ is on the minus strand). VCF-style: chr9-13140009-C-G. GRCh37 (hg19) VCF-style: chr9-13140008-C-G.
Other names: c.3882G>C, p.Glu1294Asp (NM_001261406.2, NM_001261407.2, NM_001375416.1 and 3 more transcripts); c.3981G>C, p.Glu1327Asp (NM_001330637.2, NM_001375413.1, NM_003829.5); c.3771G>C, p.Glu1257Asp (NM_001375420.1, NM_001375421.1, NM_001375422.1 and 4 more transcripts); c.3573G>C, p.Glu1191Asp (NM_001375427.1); short protein forms E1257D, E1327D, E1191D, E1294D.
Identifiers: ClinVar variation 2148784 (VCV002148784.4), dbSNP rs753824854, ClinGen allele CA372949503.